The following is an entry in ClinVar:

ClinVar aggregate classification (germline): Uncertain significance. Review status: criteria provided, multiple submitters, no conflicts (2 of 4 stars). 3 submissions from 3 submitters: Uncertain significance (3). Last evaluated 2025-08-28.

Conditions:
Inborn genetic diseases. Identifiers: MedGen C0950123, MeSH D030342.

Allele frequency attached by ClinVar (database versions not stated): ExAC 0.00003; gnomAD exomes 0.00004; ESP Exome Variant Server 0.00008; gnomAD 0.00009 and 0.00011; TOPMed 0.00009.
gnomAD v4.1: 63 of 1,613,800 alleles (0.0039%); highest among the groups gnomAD compares: African/African-American, 0.02%; no homozygotes.

Submissions (3):

Ambry Genetics
Classification: Uncertain significance for Inborn genetic diseases. Last evaluated: 2025-08-28. Review status: criteria provided, single submitter. Criteria: Ambry Variant Classification Scheme 2023. Collection method: clinical testing. Allele origin: germline.

GeneDx
Classification: Uncertain significance. Last evaluated: 2024-08-22. Review status: criteria provided, single submitter. Criteria: GeneDx Variant Classification Process June 2021. Collection method: clinical testing. Allele origin: germline. Affected: yes.
Comment: Has not been previously published as pathogenic or benign to our knowledge; In silico analysis indicates that this missense variant does not alter protein structure/function

Labcorp Genetics (formerly Invitae), Labcorp
Classification: Uncertain significance. Last evaluated: 2022-07-15. Review status: criteria provided, single submitter. Criteria: Invitae Variant Classification Sherloc (09022015). Collection method: clinical testing. Allele origin: germline.
Comment: This sequence change replaces valine, which is neutral and non-polar, with methionine, which is neutral and non-polar, at codon 253 of the CEACAM16 protein (p.Val253Met). This variant is present in population databases (rs372417134, gnomAD 0.01%). This variant has not been reported in the literature in individuals affected with CEACAM16-related conditions. ClinVar contains an entry for this variant (Variation ID: 1321641). Algorithms developed to predict the effect of missense changes on protein structure and function (SIFT, PolyPhen-2, Align-GVGD) all suggest that this variant is likely to be tolerated. In summary, the available evidence is currently insufficient to determine the role of this variant in disease. Therefore, it has been classified as a Variant of Uncertain Significance.

NM_001039213.4(CEACAM16):c.757G>A (p.Val253Met)

Genes: CEACAM16 (CEA cell adhesion molecule 16, tectorial membrane component; plus strand), CEACAM16-AS1 (CEACAM16, CEACAM19 and PVR antisense RNA 1; minus strand). Cytogenetic location: 19q13.32.
Variant type: single nucleotide variant.
Coding change: c.757G>A on transcript NM_001039213.4 (MANE Select); coding-DNA position 757, G replaced by A.
Protein change: p.Val253Met; replaces valine 253 with methionine.
Molecular consequence: missense variant.
Genome position (GRCh38, 1-based): chr19:44,705,685, G>A. VCF-style: chr19-44705685-G-A. GRCh37 (hg19) VCF-style: chr19-45208955-G-A.
Other names: c.757G>A (NM_001039213.2); short protein forms V253M.
Identifiers: ClinVar variation 1321641 (VCV001321641.8), dbSNP rs372417134, ClinGen allele CA9503140.
Genomic context (GRCh38, chr19:44,705,685, plus strand): 5'-ACCACCCGCACAGGCTGCACCATCAAAGTTGACTTCAACACGTCCCTCACCCTGTGGTGC[G>A]TGTCCAGGTCCTGCCCAGAGCCCGAGTATGTGTGGACCTTCAACGGGCAGGCCCTAAAGA-3'
Protein context (NP_001034302.2, residues 243-263): DFNTSLTLWC[Val253Met]SRSCPEPEYV